The following is an entry in ClinVar:

ClinVar aggregate classification (germline): Uncertain significance (1 of 4 stars; one submission).

Conditions:
Regional enteritis. Also called: Enteritis, Granulomatous. Identifiers: MedGen C0678202, MeSH D003424.
Blau syndrome (BLAUS). Also called: ARTHROCUTANEOUVEAL GRANULOMATOSIS; GRANULOMATOSIS, FAMILIAL JUVENILE SYSTEMIC; GRANULOMATOSIS, FAMILIAL, BLAU TYPE; GRANULOMATOUS INFLAMMATORY ARTHRITIS, DERMATITIS, AND UVEITIS, FAMILIAL; JABS SYNDROME. Identifiers: Orphanet 90340, MedGen C5201146, MONDO:0008523, OMIM 186580.

Submission:

Labcorp Genetics (formerly Invitae), Labcorp
Classification: Uncertain significance for Regional enteritis; Blau syndrome. Last evaluated: 2022-07-09. Review status: criteria provided, single submitter. Criteria: Invitae Variant Classification Sherloc (09022015). Collection method: clinical testing. Allele origin: germline.
Comment: In summary, the available evidence is currently insufficient to determine the role of this variant in disease. Therefore, it has been classified as a Variant of Uncertain Significance. Advanced modeling of protein sequence and biophysical properties (such as structural, functional, and spatial information, amino acid conservation, physicochemical variation, residue mobility, and thermodynamic stability) performed at Invitae indicates that this missense variant is not expected to disrupt NOD2 protein function. This variant has not been reported in the literature in individuals affected with NOD2-related conditions. This variant is not present in population databases (gnomAD no frequency). This sequence change replaces methionine, which is neutral and non-polar, with isoleucine, which is neutral and non-polar, at codon 950 of the NOD2 protein (p.Met950Ile).

NM_001370466.1(NOD2):c.2769G>T (p.Met923Ile)

Gene: NOD2 (nucleotide binding oligomerization domain containing 2; plus strand). Cytogenetic location: 16q12.1.
Variant type: single nucleotide variant.
Coding change: c.2769G>T on transcript NM_001370466.1 (MANE Select); coding-DNA position 2769, G replaced by T.
Protein change: p.Met923Ile; replaces methionine 923 with isoleucine.
Molecular consequence: missense variant. On other transcripts: non-coding transcript variant (1).
Genome position (GRCh38, 1-based): chr16:50,723,352, G>T. VCF-style: chr16-50723352-G-T. GRCh37 (hg19) VCF-style: chr16-50757263-G-T.
Other names: c.2769G>T, p.Met923Ile (NM_001293557.2); c.2850G>T, p.Met950Ile (NM_022162.3); short protein forms M923I, M950I.
Identifiers: ClinVar variation 2078648 (VCV002078648.4), dbSNP rs2506512097, ClinGen allele CA395875758.